The following is an entry in ClinVar:

NM_152617.4(RNF168):c.1657C>A (p.Leu553Ile)

Gene: RNF168 (ring finger protein 168; minus strand). Cytogenetic location: 3q29.
Variant type: single nucleotide variant.
Coding change: c.1657C>A on transcript NM_152617.4 (MANE Select); coding-DNA position 1657, C replaced by A.
Protein change: p.Leu553Ile; replaces leucine 553 with isoleucine.
Molecular consequence: missense variant.
Genome position (GRCh38, 1-based): chr3:196,471,878, G>T on the plus strand (C>A on the coding strand, the complement: RNF168 is on the minus strand). VCF-style: chr3-196471878-G-T. GRCh37 (hg19) VCF-style: chr3-196198749-G-T.
Other names: short protein forms L553I.
Identifiers: ClinVar variation 2833034 (VCV002833034.3), dbSNP rs1732015422, ClinGen allele CA355614336.

ClinVar aggregate classification (germline): Uncertain significance (1 of 4 stars; one submission).

Submission:

Labcorp Genetics (formerly Invitae), Labcorp
Classification: Uncertain significance. Last evaluated: 2023-01-30. Review status: criteria provided, single submitter. Criteria: Invitae Variant Classification Sherloc (09022015). Collection method: clinical testing. Allele origin: germline.
Comment: This sequence change replaces leucine, which is neutral and non-polar, with isoleucine, which is neutral and non-polar, at codon 553 of the RNF168 protein (p.Leu553Ile). This variant is not present in population databases (gnomAD no frequency). This variant has not been reported in the literature in individuals affected with RNF168-related conditions. Algorithms developed to predict the effect of missense changes on protein structure and function (SIFT, PolyPhen-2, Align-GVGD) all suggest that this variant is likely to be tolerated. In summary, the available evidence is currently insufficient to determine the role of this variant in disease. Therefore, it has been classified as a Variant of Uncertain Significance.